The following is an entry in ClinVar:

NM_133259.4(LRPPRC):c.1475G>A (p.Arg492Gln)

Gene: LRPPRC (leucine rich pentatricopeptide repeat containing; minus strand). Cytogenetic location: 2p21.
Variant type: single nucleotide variant.
Coding change: c.1475G>A on transcript NM_133259.4 (MANE Select); coding-DNA position 1475, G replaced by A.
Protein change: p.Arg492Gln; replaces arginine 492 with glutamine.
Molecular consequence: missense variant.
Genome position (GRCh38, 1-based): chr2:43,963,601, C>T on the plus strand (G>A on the coding strand, the complement: LRPPRC is on the minus strand). VCF-style: chr2-43963601-C-T. GRCh37 (hg19) VCF-style: chr2-44190740-C-T.
Other names: short protein forms R492Q.
Identifiers: ClinVar variation 1957523 (VCV001957523.3), dbSNP rs372994730, ClinGen allele CA1638971.

ClinVar aggregate classification (germline): Uncertain significance (1 of 4 stars; one submission).

Allele frequency attached by ClinVar (database versions not stated): TOPMed 0.00002; gnomAD 0.00001; gnomAD exomes 0.00001.
gnomAD v4.1: 10 of 1,594,772 alleles (0.00063%); highest among the groups gnomAD compares: Admixed American, 0.005%; no homozygotes.

Submission:

Labcorp Genetics (formerly Invitae), Labcorp
Classification: Uncertain significance. Last evaluated: 2025-06-12. Review status: criteria provided, single submitter. Criteria: Invitae Variant Classification Sherloc (09022015). Collection method: clinical testing. Allele origin: germline.
Comment: This sequence change replaces arginine, which is basic and polar, with glutamine, which is neutral and polar, at codon 492 of the LRPPRC protein (p.Arg492Gln). This variant is present in population databases (rs372994730, gnomAD 0.01%). This variant has not been reported in the literature in individuals affected with LRPPRC-related conditions. ClinVar contains an entry for this variant (Variation ID: 1957523). Invitae Evidence Modeling of protein sequence and biophysical properties (such as structural, functional, and spatial information, amino acid conservation, physicochemical variation, residue mobility, and thermodynamic stability) indicates that this missense variant is not expected to disrupt LRPPRC protein function with a negative predictive value of 80%. In summary, the available evidence is currently insufficient to determine the role of this variant in disease. Therefore, it has been classified as a Variant of Uncertain Significance.